The following is an entry in ClinVar:

ClinVar aggregate classification (germline): Uncertain significance (1 of 4 stars; one submission).

Conditions:
Shprintzen-Goldberg syndrome (SGS). Also called: Marfanoid disorder with craniosynostosis type 1; Marfanoid craniosynostosis syndrome; Shprintzen-Goldberg marfanoid syndrome; SHPRINTZEN-GOLDBERG CRANIOSYNOSTOSIS SYNDROME; CRANIOSYNOSTOSIS WITH ARACHNODACTYLY AND ABDOMINAL HERNIAS. Identifiers: Orphanet 2462, MedGen C1321551, MONDO:0008426, OMIM 182212.

gnomAD v4.1: 13 of 1,417,506 alleles (0.00092%); highest among the groups gnomAD compares: East Asian, 0.0033%; no homozygotes.

Submission:

Labcorp Genetics (formerly Invitae), Labcorp
Classification: Uncertain significance for Shprintzen-Goldberg syndrome. Last evaluated: 2023-12-08. Review status: criteria provided, single submitter. Criteria: Invitae Variant Classification Sherloc (09022015). Collection method: clinical testing. Allele origin: germline.
Comment: This sequence change replaces alanine, which is neutral and non-polar, with valine, which is neutral and non-polar, at codon 46 of the SKI protein (p.Ala46Val). The frequency data for this variant in the population databases is considered unreliable, as metrics indicate poor data quality at this position in the gnomAD database. This variant has not been reported in the literature in individuals affected with SKI-related conditions. Advanced modeling of protein sequence and biophysical properties (such as structural, functional, and spatial information, amino acid conservation, physicochemical variation, residue mobility, and thermodynamic stability) performed at Invitae indicates that this missense variant is not expected to disrupt SKI protein function with a negative predictive value of 95%. In summary, the available evidence is currently insufficient to determine the role of this variant in disease. Therefore, it has been classified as a Variant of Uncertain Significance.

NM_003036.4(SKI):c.137C>T (p.Ala46Val)

Gene: SKI (SKI proto-oncogene; plus strand). Cytogenetic location: 1p36.33.
Variant type: single nucleotide variant.
Coding change: c.137C>T on transcript NM_003036.4 (MANE Select); coding-DNA position 137, C replaced by T.
Protein change: p.Ala46Val; replaces alanine 46 with valine.
Molecular consequence: missense variant.
Genome position (GRCh38, 1-based): chr1:2,228,903, C>T. VCF-style: chr1-2228903-C-T. GRCh37 (hg19) VCF-style: chr1-2160342-C-T.
Other names: short protein forms A46V.
Identifiers: ClinVar variation 2713498 (VCV002713498.3), dbSNP rs1210974703, ClinGen allele CA337952165.